The following is an entry in ClinVar:

ClinVar aggregate classification (germline): Benign. Review status: criteria provided, multiple submitters, no conflicts (2 of 4 stars). 4 submissions from 4 submitters: Benign (4). Last evaluated 2025-09-26.

Conditions:
Factor I deficiency (CFID). Also called: Complement factor I deficiency. Identifiers: Orphanet 200418, MedGen C3463916, MONDO:0012594, OMIM 610984.
CFI-related disorder. Also called: CFI-related condition; CFI-related disorders. Identifiers: MedGen CN239325.

Allele frequency attached by ClinVar (database versions not stated): ESP Exome Variant Server 0.96616; TOPMed 0.96722; 1000 Genomes Project 30x 0.96893; 1000 Genomes Project 0.96945; gnomAD 0.96948 and 0.97153; ExAC 0.99066; gnomAD exomes 0.99268 and 0.99708.
gnomAD v4.1: 1,195,273 of 1,202,842 alleles (99%); highest among the groups gnomAD compares: East Asian, 100%; 594,189 homozygotes.

Submissions (4):

Genomenon, Inc
Classification: Benign for CFI-related disorder. Last evaluated: 2025-09-26. Review status: criteria provided, single submitter. Criteria: Genomenon Sequence Variant Interpretation Standards - Updated. Collection method: curation. Allele origin: germline. Affected: no.
Comment: CFI c.941-49C>G is an intronic variant located in intron 8. This variant is present at high allele frequency in population databases. In conclusion, we classify CFI c.941-49C>G as a benign variant.

Genome-Nilou Lab
Classification: Benign for Factor I deficiency. Last evaluated: 2021-07-22. Review status: criteria provided, single submitter. Criteria: ACMG Guidelines, 2015. Collection method: clinical testing. Allele origin: germline. Affected: no.

GeneDx
Classification: Benign. Last evaluated: 2021-06-18. Review status: criteria provided, single submitter. Criteria: GeneDx Variant Classification Process June 2021. Collection method: clinical testing. Allele origin: germline. Affected: yes.
Comment: This variant is associated with the following publications: (PMID: 28939980)

Breakthrough Genomics
Classification: Benign. Review status: criteria provided, single submitter. Criteria: ACMG Guidelines, 2015. Collection method: not provided. Allele origin: germline. Inheritance: Autosomal recessive inheritance. Affected: yes.

NM_000204.5(CFI):c.941-49C>G

Gene: CFI (complement factor I; minus strand). Cytogenetic location: 4q25.
Variant type: single nucleotide variant.
Coding change: c.941-49C>G on transcript NM_000204.5 (MANE Select); 49 bases into the intron before coding-DNA position 941, C replaced by G.
Molecular consequence: intron variant.
Genome position (GRCh38, 1-based): chr4:109,749,651, G>C on the plus strand (C>G on the coding strand, the complement: CFI is on the minus strand). VCF-style: chr4-109749651-G-C. GRCh37 (hg19) VCF-style: chr4-110670807-G-C.
Other names: c.920-49C>G (NM_001375282.1, NM_001375280.1, NM_001331035.2); c.941-49C>G (NM_001375281.1, NM_001375279.1); c.965-49C>G (NM_001375278.1, NM_001318057.2); c.332-49C>G (NM_001375284.1); c.884-49C>G (NM_001375283.1).
Identifiers: ClinVar variation 1209764 (VCV001209764.6), dbSNP rs7441380, ClinGen allele CA3042073.
Genomic context (GRCh38, chr4:109,749,651, plus strand): 5'-TCCGTCTTCTTTCTTCAAGAAAGGAAGAGATTACATCATTATTATCTTGAACCCATTAGC[G>C]TTTTTAACACACTTCTTGATTATCTATGCCACAAAAACAGGAGAGTCACAGCCAGTACAA-3'